The following is an entry in ClinVar:

ClinVar aggregate classification (germline): Uncertain significance (1 of 4 stars; one submission).

Conditions:
Cardiovascular phenotype. Identifiers: MedGen CN230736.

Submission:

Ambry Genetics
Classification: Uncertain significance for Cardiovascular phenotype. Last evaluated: 2025-03-13. Review status: criteria provided, single submitter. Criteria: Ambry Variant Classification Scheme 2023. Collection method: clinical testing. Allele origin: germline.
Comment: The p.E305D variant (also known as c.915A>C), located in coding exon 2 of the MYPN gene, results from an A to C substitution at nucleotide position 915. The glutamic acid at codon 305 is replaced by aspartic acid, an amino acid with highly similar properties. This amino acid position is conserved. In addition, this alteration is predicted to be tolerated by in silico analysis. Based on the available evidence, the clinical significance of this variant remains unclear.

NM_032578.4(MYPN):c.915A>C (p.Glu305Asp)

Gene: MYPN (myopalladin; plus strand). Cytogenetic location: 10q21.3.
Variant type: single nucleotide variant.
Coding change: c.915A>C on transcript NM_032578.4 (MANE Select); coding-DNA position 915, A replaced by C.
Protein change: p.Glu305Asp; replaces glutamic acid 305 with aspartic acid.
Molecular consequence: missense variant. On other transcripts: non-coding transcript variant (2).
Genome position (GRCh38, 1-based): chr10:68,142,952, A>C. VCF-style: chr10-68142952-A-C. GRCh37 (hg19) VCF-style: chr10-69902709-A-C.
Other names: c.915A>C, p.Glu305Asp (NM_001256267.2); c.33A>C, p.Glu11Asp (NM_001256268.2); short protein forms E305D, E11D.
Identifiers: ClinVar variation 3877266 (VCV003877266.1).